The following is an entry in ClinVar:

NM_004036.5(ADCY3):c.987C>T (p.Thr329=)

Gene: ADCY3 (adenylate cyclase 3; minus strand). Cytogenetic location: 2p23.3.
Variant type: single nucleotide variant.
Coding change: c.987C>T on transcript NM_004036.5 (MANE Select); coding-DNA position 987, C replaced by T.
Protein change: p.Thr329=; no amino-acid change (threonine 329 retained).
Molecular consequence: synonymous variant.
Genome position (GRCh38, 1-based): chr2:24,841,637, G>A on the plus strand (C>T on the coding strand, the complement: ADCY3 is on the minus strand). VCF-style: chr2-24841637-G-A. GRCh37 (hg19) VCF-style: chr2-25064506-G-A.
Other names: c.987C>T, p.Thr329= (NM_001320613.2, NM_001377128.1, NM_001377129.1 and 2 more transcripts); c.264C>T, p.Thr88= (NM_001377131.1).
Identifiers: ClinVar variation 4996672 (VCV004996672.1).

ClinVar aggregate classification (germline): Likely benign (1 of 4 stars; one submission).

Conditions:
ADCY3-related disorder. Also called: ADCY3-related condition.

Submission:

PreventionGenetics, part of Exact Sciences
Classification: Likely benign for ADCY3-related condition. Last evaluated: 2025-10-27. Review status: criteria provided, single submitter. Criteria: ACMG Guidelines, 2015. Collection method: clinical testing. Allele origin: germline.
Comment: This variant is classified as likely benign based on ACMG/AMP sequence variant interpretation guidelines (Richards et al. 2015 PMID: 25741868, with internal and published modifications).